The following is an entry in ClinVar:

NM_000548.5(TSC2):c.3132-1G>A

Gene: TSC2 (TSC complex subunit 2; plus strand). Cytogenetic location: 16p13.3.
Variant type: single nucleotide variant.
Coding change: c.3132-1G>A on transcript NM_000548.5 (MANE Select); the canonical splice acceptor site of the intron before coding-DNA position 3132, G replaced by A.
Molecular consequence: splice acceptor variant.
Genome position (GRCh38, 1-based): chr16:2,079,275, G>A. VCF-style: chr16-2079275-G-A. GRCh37 (hg19) VCF-style: chr16-2129276-G-A.
Other names: c.1659-1G>A (NM_001406693.1, NM_001406690.1, NM_001406692.1 and 1 more transcripts); c.3093-1G>A (NM_001406667.1); c.3090-1G>A (NM_001406668.1); c.2532-1G>A (NM_001406680.1, NM_001406683.1, NM_001406682.1); c.2400-1G>A (NM_001406687.1, NM_001318831.2, NM_001406688.1); c.1788-1G>A (NM_001406689.1); c.1656-1G>A (NM_001406691.1, NM_001406697.1, NM_001406695.1 and 1 more transcripts); c.1398-1G>A (NM_001406698.1); and 18 more.
Identifiers: ClinVar variation 49749 (VCV000049749.9), dbSNP rs45443096, ClinGen allele CA018616.

ClinVar aggregate classification (germline): Pathogenic. Review status: criteria provided, single submitter (1 of 4 stars). 2 submissions from 2 submitters: Pathogenic (1). 1 of the submissions does not count toward it. Last evaluated 2022-10-28.

Conditions:
Tuberous sclerosis 2 (TSC2). Identifiers: Orphanet 805, MedGen C1860707, MONDO:0013199, OMIM 613254.
Tuberous sclerosis syndrome (TSC). Also called: Tuberous Sclerosis Complex; Tuberous sclerosis. Identifiers: Orphanet 805, MedGen C0041341, MONDO:0001734.

Submissions (2):

Labcorp Genetics (formerly Invitae), Labcorp
Classification: Pathogenic for Tuberous sclerosis 2. Last evaluated: 2022-10-28. Review status: criteria provided, single submitter. Criteria: Invitae Variant Classification Sherloc (09022015). Collection method: clinical testing. Allele origin: germline.
Comment: Algorithms developed to predict the effect of sequence changes on RNA splicing suggest that this variant may disrupt the consensus splice site. ClinVar contains an entry for this variant (Variation ID: 49749). Disruption of this splice site has been observed in individuals with tuberous sclerosis complex (PMID: 16114042, 21520333). This variant is not present in population databases (gnomAD no frequency). This sequence change affects an acceptor splice site in intron 27 of the TSC2 gene. It is expected to disrupt RNA splicing. Variants that disrupt the donor or acceptor splice site typically lead to a loss of protein function (PMID: 16199547), and loss-of-function variants in TSC2 are known to be pathogenic (PMID: 10205261, 17304050). For these reasons, this variant has been classified as Pathogenic.

Tuberous sclerosis database (TSC2)
No classification provided. Condition: TSC. Review status: no classification provided. Criteria: Tuberous Sclerosis Database Assertion Criteria 2015. Collection method: curation. Allele origin: germline. Affected: yes. Not counted in ClinVar's aggregate classification.

Literature cited by the submitters: PubMed 16114042 (cited by Labcorp Genetics (formerly Invitae), Labcorp); PubMed 21520333 (cited by Labcorp Genetics (formerly Invitae), Labcorp); PubMed 16199547 (cited by Labcorp Genetics (formerly Invitae), Labcorp); PubMed 10205261 (cited by Labcorp Genetics (formerly Invitae), Labcorp); PubMed 17304050 (cited by Labcorp Genetics (formerly Invitae), Labcorp).